The following is an entry in ClinVar:

NM_018075.5(ANO10):c.1021G>C (p.Val341Leu)

Gene: ANO10 (anoctamin 10; minus strand). Cytogenetic location: 3p22.1.
Variant type: single nucleotide variant.
Coding change: c.1021G>C on transcript NM_018075.5 (MANE Select); coding-DNA position 1021, G replaced by C.
Protein change: p.Val341Leu; replaces valine 341 with leucine.
Molecular consequence: missense variant. On other transcripts: intron variant (1).
Genome position (GRCh38, 1-based): chr3:43,576,833, C>G on the plus strand (G>C on the coding strand, the complement: ANO10 is on the minus strand). VCF-style: chr3-43576833-C-G. GRCh37 (hg19) VCF-style: chr3-43618325-C-G.
Other names: c.1021G>C, p.Val341Leu (NM_001204831.3, NM_001346463.2, NM_001346464.2 and 3 more transcripts); c.823G>C, p.Val275Leu (NM_001204832.3, NM_001346466.2, NM_001346469.2); c.688G>C, p.Val230Leu (NM_001204833.3); c.593-1969G>C (NM_001204834.3); c.1021G>C (NM_018075.3); short protein forms V230L, V275L, V341L.
Identifiers: ClinVar variation 3025697 (VCV003025697.22), dbSNP rs1322395258, ClinGen allele CA352343353.
Genomic context (GRCh38, chr3:43,576,833, plus strand): 5'-CATACAACAGGACACTGGTCCACTCAGACCCGCTGTTCTCATGTAGACCCAAGGCCCAAA[C>G]CTCCATGTCGAAGTAAATCATCATGACATACAGTGAGAAATAGAGGCAGAGGCACACGAA-3'
Protein context (NP_060545.3, residues 331-351): YVMMIYFDME[Val341Leu]WALGLHENSG

ClinVar aggregate classification (germline): Uncertain significance. Review status: criteria provided, multiple submitters, no conflicts (2 of 4 stars). 2 submissions from 2 submitters: Uncertain significance (2). Last evaluated 2024-12-30.

Allele frequency attached by ClinVar (database versions not stated): TOPMed below 0.00001; gnomAD 0.00001; gnomAD exomes 0.00001.
gnomAD v4.1: 11 of 1,614,048 alleles (0.00068%); highest among the groups gnomAD compares: Non-Finnish European, 0.00093%; no homozygotes.

Submissions (2):

Athena Diagnostics
Classification: Uncertain significance. Last evaluated: 2024-12-30. Review status: criteria provided, single submitter. Criteria: Athena Diagnostics Criteria. Collection method: clinical testing. Allele origin: unknown.
Comment: Available data are insufficient to determine the clinical significance of the variant at this time. The frequency of this variant in the general population is uninformative in assessment of its pathogenicity. Polyphen and MutationTaster predict this amino acid change may be benign.

CeGaT Center for Human Genetics Tuebingen
Classification: Uncertain significance. Last evaluated: 2023-12-01. Review status: criteria provided, single submitter. Criteria: CeGaT Center For Human Genetics Tuebingen Variant Classification Criteria Version 2. Collection method: clinical testing. Allele origin: germline. Affected: yes. Observed: 1 variant allele.
Comment: ANO10: PM2, BP4